The following is an entry in ClinVar:

ClinVar aggregate classification (germline): Uncertain significance. Review status: criteria provided, multiple submitters, no conflicts (2 of 4 stars). 6 submissions from 6 submitters: Uncertain significance (6). Last evaluated 2026-06-24.

Conditions:
Cardiovascular phenotype. Identifiers: MedGen CN230736.
Autosomal recessive limb-girdle muscular dystrophy type 2J (LGMDR10). Also called: Limb-girdle muscular dystrophy, type 2J; MUSCULAR DYSTROPHY, LIMB-GIRDLE, AUTOSOMAL RECESSIVE 10. Identifiers: Orphanet 140922, MedGen C1837342, MONDO:0012127, OMIM 608807.
Dilated cardiomyopathy 1G (CMD1G). Identifiers: Orphanet 154, MedGen C1858763, MONDO:0011400, OMIM 604145.
TTN-related disorder. Also called: TTN-related condition; TTN-related disease; TTN-related disorders.
Myopathy, myofibrillar, 9, with early respiratory failure (MFM9). Also called: Hereditary myopathy with early respiratory failure; MYOPATHY, PROXIMAL, WITH EARLY RESPIRATORY MUSCLE INVOLVEMENT; EDSTROM MYOPATHY; Myopathy, distal, with early respiratory failure, autosomal dominant. Identifiers: Orphanet 178464, Orphanet 34521, MedGen C1863599, MONDO:0011362, OMIM 603689.

Allele frequency attached by ClinVar (database versions not stated): gnomAD exomes 0.00001 and 0.00004; ExAC 0.00003; gnomAD 0.00017 and 0.00019; TOPMed 0.00017; ESP Exome Variant Server 0.00025.
gnomAD v4.1: 49 of 1,612,898 alleles (0.003%); highest among the groups gnomAD compares: African/African-American, 0.049%; no homozygotes.

Submissions (6):

PreventionGenetics, part of Exact Sciences
Classification: Uncertain significance for TTN-related condition. Last evaluated: 2026-06-24. Review status: criteria provided, single submitter. Criteria: ACMG Guidelines, 2015. Collection method: clinical testing. Allele origin: germline.
Comment: The TTN c.104690C>T variant is predicted to result in the amino acid substitution p.Ser34897Leu. To our knowledge, this variant has not been reported in the literature. This variant is reported in 0.033% of alleles in individuals of African descent in gnomAD. At this time, the clinical significance of this variant is uncertain due to the absence of conclusive functional and genetic evidence.

OLLIN Analises Genomicas, OLLIN
Classification: Uncertain significance for Myopathy, myofibrillar, 9, with early respiratory failure. Last evaluated: 2026-02-13. Review status: criteria provided, single submitter. Criteria: ACMG Guidelines 2015 PMID 25741868. Collection method: clinical testing. Allele origin: germline. Observed: 1 variant allele.
Comment: PM2_P

Revvity Omics, Revvity
Classification: Uncertain significance. Last evaluated: 2024-09-04. Review status: criteria provided, single submitter. Criteria: ACMG Guidelines, 2015. Collection method: clinical testing. Allele origin: germline.

Labcorp Genetics (formerly Invitae), Labcorp
Classification: Uncertain significance for Dilated cardiomyopathy 1G; Autosomal recessive limb-girdle muscular dystrophy type 2J. Last evaluated: 2024-01-11. Review status: criteria provided, single submitter. Criteria: Invitae Variant Classification Sherloc (09022015). Collection method: clinical testing. Allele origin: germline.
Comment: This sequence change replaces serine, which is neutral and polar, with leucine, which is neutral and non-polar, at codon 34897 of the TTN protein (p.Ser34897Leu). This variant is present in population databases (rs373446383, gnomAD 0.03%). This variant has not been reported in the literature in individuals affected with TTN-related conditions. ClinVar contains an entry for this variant (Variation ID: 466732). Experimental studies and prediction algorithms are not available or were not evaluated, and the functional significance of this variant is currently unknown. This variant is located in the M band of TTN (PMID: 25589632). Non-truncating variants in this region may be relevant for neuromuscular disorders, but have not been definitively shown to cause cardiomyopathy (PMID: 23975875). In summary, the available evidence is currently insufficient to determine the role of this variant in disease. Therefore, it has been classified as a Variant of Uncertain Significance.

Ambry Genetics
Classification: Uncertain significance for Cardiovascular phenotype. Last evaluated: 2018-09-27. Review status: criteria provided, single submitter. Criteria: Ambry Variant Classification Scheme 2023. Collection method: clinical testing. Allele origin: germline.
Comment: The p.S25832L variant (also known as c.77495C>T), located in coding exon 185 of the TTN gene, results from a C to T substitution at nucleotide position 77495. The serine at codon 25832 is replaced by leucine, an amino acid with dissimilar properties. This amino acid position is highly conserved in available vertebrate species. In addition, this alteration is predicted to be tolerated by in silico analysis. Since supporting evidence is limited at this time, the clinical significance of this alteration remains unclear.

Eurofins Ntd Llc (ga)
Classification: Uncertain significance. Last evaluated: 2017-05-23. Review status: criteria provided, single submitter. Criteria: EGL Classification Definitions 2015. Collection method: clinical testing. Allele origin: germline. Observed: 2 variant alleles, 2 heterozygotes.

Literature cited by the submitters: PubMed 25589632 (cited by Labcorp Genetics (formerly Invitae), Labcorp); PubMed 23975875 (cited by Labcorp Genetics (formerly Invitae), Labcorp).

NM_001267550.2(TTN):c.104690C>T (p.Ser34897Leu)

Genes: TTN (titin; minus strand), TTN-AS1 (TTN antisense RNA 1; plus strand). Cytogenetic location: 2q31.2.
Variant type: single nucleotide variant.
Coding change: c.104690C>T on transcript NM_001267550.2 (MANE Select); coding-DNA position 104690, C replaced by T.
Protein change: p.Ser34897Leu; replaces serine 34897 with leucine.
Molecular consequence: missense variant.
Genome position (GRCh38, 1-based): chr2:178,531,925, G>A on the plus strand (C>T on the coding strand, the complement: TTN is on the minus strand). VCF-style: chr2-178531925-G-A. GRCh37 (hg19) VCF-style: chr2-179396652-G-A.
Other names: c.99767C>T, p.Ser33256Leu (NM_001256850.1); c.77495C>T, p.Ser25832Leu (NM_003319.4); c.96986C>T, p.Ser32329Leu (NM_133378.4); c.77870C>T, p.Ser25957Leu (NM_133432.3); c.78071C>T, p.Ser26024Leu (NM_133437.4); short protein forms S34897L, S32329L, S25832L, S33256L, S26024L, S25957L.
Identifiers: ClinVar variation 466732 (VCV000466732.15), dbSNP rs373446383, ClinGen allele CA1985381.